The following is an entry in ClinVar:

ClinVar aggregate classification (germline): Uncertain significance (1 of 4 stars; one submission).

Submission:

Ambry Genetics
Classification: Uncertain significance. Last evaluated: 2022-11-10. Review status: criteria provided, single submitter. Criteria: Ambry Variant Classification Scheme 2023. Collection method: clinical testing. Allele origin: germline.
Comment: The p.N49S variant (also known as c.146A>G), located in coding exon 3 of the RINT1 gene, results from an A to G substitution at nucleotide position 146. The asparagine at codon 49 is replaced by serine, an amino acid with highly similar properties. This amino acid position is conserved. In addition, this alteration is predicted to be tolerated by in silico analysis. Since supporting evidence is limited at this time, the clinical significance of this alteration remains unclear.

NM_021930.6(RINT1):c.146A>G (p.Asn49Ser)

Gene: RINT1 (RAD50 interactor 1; plus strand). Cytogenetic location: 7q22.3.
Variant type: single nucleotide variant.
Coding change: c.146A>G on transcript NM_021930.6 (MANE Select); coding-DNA position 146, A replaced by G.
Protein change: p.Asn49Ser; replaces asparagine 49 with serine.
Molecular consequence: missense variant. On other transcripts: 5 prime UTR variant (3), non-coding transcript variant (1), intron variant (1).
Genome position (GRCh38, 1-based): chr7:105,536,622, A>G. VCF-style: chr7-105536622-A-G. GRCh37 (hg19) VCF-style: chr7-105177069-A-G.
Other names: c.-874A>G (NM_001346600.2); c.-777A>G (NM_001346601.2); c.-397A>G (NM_001346603.2); c.39+10A>G (NM_001346599.2); short protein forms N49S.
Identifiers: ClinVar variation 2496975 (VCV002496975.2), dbSNP rs2485099763, ClinGen allele CA368800156.